The following is an entry in ClinVar:

NM_002905.5(RDH5):c.422_423delinsCT (p.Ile141Thr)

Genes: BLOC1S1-RDH5 (BLOC1S1-RDH5 readthrough; plus strand), RDH5 (retinol dehydrogenase 5; plus strand). Cytogenetic location: 12q13.2.
Variant type: Indel.
Coding change: c.422_423delinsCT on transcript NM_002905.5 (MANE Select); coding-DNA positions 422 to 423, TC replaced by CT.
Protein change: p.Ile141Thr; replaces isoleucine 141 with threonine.
Molecular consequence: missense variant. On other transcripts: non-coding transcript variant (1).
Genome position (GRCh38, 1-based): chr12:55,721,800-55,721,801, TC replaced by CT. VCF-style: chr12-55721800-TC-CT. GRCh37 (hg19) VCF-style: chr12-56115584-TC-CT.
Other names: c.422_423delinsCT, p.Ile141Thr (NM_001199771.3); short protein forms I141T.
Identifiers: ClinVar variation 1489574 (VCV001489574.6), dbSNP rs2136139646, ClinGen allele CA2573148798.
Genomic context (GRCh38, chr12:55,721,800, plus strand): 5'-CACCATGGCTGACCCGGGACGATTTCCAGCGGGTGCTGAATGTGAACACAATGGGTCCCA[TC>CT]GGGGTCACCCTTGCCCTGCTGCCTCTGCTGCAGCAAGCCCGGGGCCGGGTGATCAACATC-3'
Protein context (NP_002896.2, residues 131-151): RVLNVNTMGP[Ile141Thr]GVTLALLPLL

ClinVar aggregate classification (germline): Uncertain significance (1 of 4 stars; one submission).

Submission:

Labcorp Genetics (formerly Invitae), Labcorp
Classification: Uncertain significance. Last evaluated: 2021-12-02. Review status: criteria provided, single submitter. Criteria: Invitae Variant Classification Sherloc (09022015). Collection method: clinical testing. Allele origin: germline.
Comment: This sequence change replaces isoleucine, which is neutral and non-polar, with threonine, which is neutral and polar, at codon 141 of the RDH5 protein (p.Ile141Thr). Information on the frequency of this variant in the gnomAD database is not available, as this variant may be reported differently in the database. This variant has not been reported in the literature in individuals affected with RDH5-related conditions. Algorithms developed to predict the effect of missense changes on protein structure and function are either unavailable or do not agree on the potential impact of this missense change (SIFT: "Not Available"; PolyPhen-2: "Probably Damaging"; Align-GVGD: "Not Available"). In summary, the available evidence is currently insufficient to determine the role of this variant in disease. Therefore, it has been classified as a Variant of Uncertain Significance.